The following is an entry in ClinVar:

NM_006231.4(POLE):c.5483C>T (p.Pro1828Leu)

Gene: POLE (DNA polymerase epsilon, catalytic subunit; minus strand). Cytogenetic location: 12q24.33.
Variant type: single nucleotide variant.
Coding change: c.5483C>T on transcript NM_006231.4 (MANE Select); coding-DNA position 5483, C replaced by T.
Protein change: p.Pro1828Leu; replaces proline 1828 with leucine.
Molecular consequence: missense variant.
Genome position (GRCh38, 1-based): chr12:132,639,194, G>A on the plus strand (C>T on the coding strand, the complement: POLE is on the minus strand). VCF-style: chr12-132639194-G-A. GRCh37 (hg19) VCF-style: chr12-133215780-G-A.
Other names: short protein forms P1828L.
Identifiers: ClinVar variation 1362451 (VCV001362451.8), dbSNP rs2138509446, ClinGen allele CA387374672.

ClinVar aggregate classification (germline): Uncertain significance (1 of 4 stars; one submission).

Submission:

Labcorp Genetics (formerly Invitae), Labcorp
Classification: Uncertain significance. Last evaluated: 2023-12-18. Review status: criteria provided, single submitter. Criteria: Invitae Variant Classification Sherloc (09022015). Collection method: clinical testing. Allele origin: germline.
Comment: This sequence change replaces proline, which is neutral and non-polar, with leucine, which is neutral and non-polar, at codon 1828 of the POLE protein (p.Pro1828Leu). This variant is not present in population databases (gnomAD no frequency). This variant has not been reported in the literature in individuals affected with POLE-related conditions. ClinVar contains an entry for this variant (Variation ID: 1362451). Advanced modeling of protein sequence and biophysical properties (such as structural, functional, and spatial information, amino acid conservation, physicochemical variation, residue mobility, and thermodynamic stability) performed at Invitae indicates that this missense variant is expected to disrupt POLE protein function with a positive predictive value of 80%. In summary, the available evidence is currently insufficient to determine the role of this variant in disease. Therefore, it has been classified as a Variant of Uncertain Significance.